The following is an entry in ClinVar:

ClinVar aggregate classification (germline): Benign/Likely benign. Review status: criteria provided, multiple submitters, no conflicts (2 of 4 stars). 3 submissions from 3 submitters: Benign (1); Likely benign (2). Last evaluated 2024-09-04.

Conditions:
Fanconi anemia complementation group J. Also called: BRIP1-Related Fanconi Anemia. Identifiers: Orphanet 84, MedGen C1836860, MONDO:0012187, OMIM 609054.
Familial cancer of breast. Also called: hereditary breast carcinoma; Hereditary breast cancer; BREAST CANCER, FAMILIAL. Identifiers: Orphanet 227535, MedGen C0346153, MONDO:0016419, OMIM 114480. Disease mechanism: loss of function.
Hereditary cancer-predisposing syndrome. Also called: Neoplastic Syndromes, Hereditary; Hereditary Cancer Syndrome; Hereditary neoplastic syndrome; Tumor predisposition. Identifiers: Orphanet 140162, MedGen C0027672, MeSH D009386, MONDO:0015356.

Allele frequency attached by ClinVar (database versions not stated): gnomAD exomes below 0.00001; ExAC 0.00001; gnomAD 0.00001; 1000 Genomes Project 0.00020; 1000 Genomes Project 30x 0.00031.

Submissions (3):

Myriad Genetics, Inc.
Classification: Benign for Familial cancer of breast. Last evaluated: 2024-09-04. Review status: criteria provided, single submitter. Criteria: Myriad Autosomal Dominant, Autosomal Recessive and X-Linked Classification Criteria (2023). Collection method: clinical testing. Allele origin: unknown.
Comment: This variant is considered benign. This variant is a silent/synonymous amino acid change and it is not expected to impact splicing.

Labcorp Genetics (formerly Invitae), Labcorp
Classification: Likely benign for Familial cancer of breast; Fanconi anemia complementation group J. Last evaluated: 2023-09-13. Review status: criteria provided, single submitter. Criteria: Invitae Variant Classification Sherloc (09022015). Collection method: clinical testing. Allele origin: germline.

Ambry Genetics
Classification: Likely benign for Hereditary cancer-predisposing syndrome. Last evaluated: 2020-03-24. Review status: criteria provided, single submitter. Criteria: Ambry Variant Classification Scheme 2023. Collection method: clinical testing. Allele origin: germline.

NM_032043.3(BRIP1):c.2376A>G (p.Leu792=)

Gene: BRIP1 (BRCA1 interacting DNA helicase 1; minus strand). Cytogenetic location: 17q23.2.
Variant type: single nucleotide variant.
Coding change: c.2376A>G on transcript NM_032043.3 (MANE Select); coding-DNA position 2376, A replaced by G.
Protein change: p.Leu792=; no amino-acid change (leucine 792 retained).
Molecular consequence: synonymous variant.
Genome position (GRCh38, 1-based): chr17:61,743,016, T>C on the plus strand (A>G on the coding strand, the complement: BRIP1 is on the minus strand). VCF-style: chr17-61743016-T-C. GRCh37 (hg19) VCF-style: chr17-59820377-T-C.
Identifiers: ClinVar variation 1160844 (VCV001160844.13), dbSNP rs554514054, ClinGen allele CA8690546.